The following is an entry in ClinVar:

ClinVar aggregate classification (germline): Uncertain significance (1 of 4 stars; one submission).

gnomAD v4.1: 3 of 1,591,692 alleles (0.00019%); highest among the groups gnomAD compares: Admixed American, 0.0035%; no homozygotes.

Submission:

Women's Health and Genetics/Laboratory Corporation of America, LabCorp
Classification: Uncertain significance. Last evaluated: 2025-02-12. Review status: criteria provided, single submitter. Criteria: LabCorp Variant Classification Summary - May 2015. Collection method: clinical testing. Allele origin: germline.
Comment: Variant summary: ABCA2 c.679C>T (p.Pro227Ser) results in a non-conservative amino acid change in the encoded protein sequence. Four of five in-silico tools predict a benign effect of the variant on protein function. The variant allele was found at a frequency of 4.6e-06 in 219632 control chromosomes. The available data on variant occurrences in the general population are insufficient to allow any conclusion about variant significance. To our knowledge, no occurrence of c.679C>T in individuals affected with Intellectual Developmental Disorder With Poor Growth And With Or Without Seizures Or Ataxia and no experimental evidence demonstrating its impact on protein function have been reported. No submitters have cited clinical-significance assessments for this variant to ClinVar. Based on the evidence outlined above, the variant was classified as uncertain significance.

NM_001606.5(ABCA2):c.589C>T (p.Pro197Ser)

Gene: ABCA2 (ATP binding cassette subfamily A member 2; minus strand). Cytogenetic location: 9q34.3.
Variant type: single nucleotide variant.
Coding change: c.589C>T on transcript NM_001606.5 (MANE Select); coding-DNA position 589, C replaced by T.
Protein change: p.Pro197Ser; replaces proline 197 with serine.
Molecular consequence: missense variant.
Genome position (GRCh38, 1-based): chr9:137,021,980, G>A on the plus strand (C>T on the coding strand, the complement: ABCA2 is on the minus strand). VCF-style: chr9-137021980-G-A. GRCh37 (hg19) VCF-style: chr9-139916432-G-A.
Other names: c.586C>T, p.Pro196Ser (NM_001411042.1); c.679C>T, p.Pro227Ser (NM_212533.3); short protein forms P196S, P197S, P227S.
Identifiers: ClinVar variation 3768585 (VCV003768585.1).
Genomic context (GRCh38, chr9:137,021,980, plus strand): 5'-GGCGGCTCCAGGGCTCCTGACCCTTGTGGAGGCCAGACTGTGAATCCAGGGCAGATGAGG[G>A]ACCAAAGAGCAGGTGGTAGACCTAGGAGGTGTGGGGGAATGGCTCAGATGGGGTGTGGGG-3'
Protein context (NP_001597.2, residues 187-207): PPEVYHLLFG[Pro197Ser]SSALDSQSGL